The following is an entry in ClinVar:

NM_020911.2(PLXNA4):c.5438G>A (p.Arg1813Lys)

Gene: PLXNA4 (plexin A4; minus strand). Cytogenetic location: 7q32.3.
Variant type: single nucleotide variant.
Coding change: c.5438G>A on transcript NM_020911.2 (MANE Select); coding-DNA position 5438, G replaced by A.
Protein change: p.Arg1813Lys; replaces arginine 1813 with lysine.
Molecular consequence: missense variant.
Genome position (GRCh38, 1-based): chr7:132,140,599, C>T on the plus strand (G>A on the coding strand, the complement: PLXNA4 is on the minus strand). VCF-style: chr7-132140599-C-T. GRCh37 (hg19) VCF-style: chr7-131825358-C-T.
Other names: c.5438G>A, p.Arg1813Lys (NM_001393897.1); short protein forms R1813K.
Identifiers: ClinVar variation 3346286 (VCV003346286.1).
Genomic context (GRCh38, chr7:132,140,599, plus strand): 5'-TTGAGGGAGCTGCTGGCTCCAGCAAGGGGCCCTGACTTGGCTCCGTGGCCCAGCACTCAC[C>T]TCTCCACCCAATTCTTGTAGCTGGGGATGTCCTTGGCATACAGCAGCTTGTTGGAGGGCG-3'
Protein context (NP_065962.1, residues 1803-1823): DIPSYKNWVE[Arg1813Lys]YYSDIGKMPA

ClinVar aggregate classification (germline): Uncertain significance (0 of 4 stars; one submission).

Conditions:
PLXNA4-related disorder. Also called: PLXNA4-related condition.

Submission:

PreventionGenetics, part of Exact Sciences
Classification: Uncertain significance for PLXNA4-related condition. Last evaluated: 2024-05-22. Review status: no assertion criteria provided. Collection method: clinical testing. Allele origin: germline.
Comment: The PLXNA4 c.5438G>A variant is predicted to result in the amino acid substitution p.Arg1813Lys. To our knowledge, this variant has not been reported in the literature or in a large population database, indicating this variant is rare. At this time, the clinical significance of this variant is uncertain due to the absence of conclusive functional and genetic evidence.